The following is an entry in ClinVar:

NM_000092.5(COL4A4):c.317A>G (p.Lys106Arg)

Gene: COL4A4 (collagen type IV alpha 4 chain; minus strand). Cytogenetic location: 2q36.3.
Variant type: single nucleotide variant.
Coding change: c.317A>G on transcript NM_000092.5 (MANE Select); coding-DNA position 317, A replaced by G.
Protein change: p.Lys106Arg; replaces lysine 106 with arginine.
Molecular consequence: missense variant.
Genome position (GRCh38, 1-based): chr2:227,121,024, T>C on the plus strand (A>G on the coding strand, the complement: COL4A4 is on the minus strand). VCF-style: chr2-227121024-T-C. GRCh37 (hg19) VCF-style: chr2-227985740-T-C.
Other names: short protein forms K106R.
Identifiers: ClinVar variation 1988974 (VCV001988974.2), dbSNP rs1362665820, ClinGen allele CA350863199.
Genomic context (GRCh38, chr2:227,121,024, plus strand): 5'-GTAGTGCTGGTGAGTCTTTCATGTGAATCTCCACATAAGATGTGGCTTACCTTATCTCCT[T>C]TGTCCCCTGCTGCTCCAGGAGGGCCGCGGTCCCCTCTCATTCCTTTCTCTCCTGAAAGCC-3'
Protein context (NP_000083.3, residues 96-116): DRGPPGAAGD[Lys106Arg]GDKGPTGVPG

ClinVar aggregate classification (germline): Uncertain significance. Review status: criteria provided, multiple submitters, no conflicts (2 of 4 stars). 2 submissions from 2 submitters: Uncertain significance (2). Last evaluated 2024-02-04.

Conditions:
Hematuria, benign familial, 1 (BFH1). Also called: THIN MEMBRANE NEPHROPATHY. Identifiers: MedGen CN376803, MONDO:0007709, OMIM 141200.
Autosomal recessive Alport syndrome (ATS2). Also called: COL4A4 Alport Syndrome and Thin Basement Membrane Nephropathy; COL4A3-Related Nephropathy; Alport syndrome type 2; ALPORT SYNDROME 2, AUTOSOMAL RECESSIVE. Identifiers: Orphanet 63, Orphanet 88919, MedGen C4746745, MONDO:0008762, OMIM 203780.

Allele frequency attached by ClinVar (database versions not stated): gnomAD exomes below 0.00001.
gnomAD v4.1: 1 of 1,614,098 alleles (0.000062%); highest among the groups gnomAD compares: South Asian, 0.0011%; no homozygotes.

Submissions (2):

Fulgent Genetics
Classification: Uncertain significance for Hematuria, benign familial, 1; Autosomal recessive Alport syndrome. Last evaluated: 2024-02-04. Review status: criteria provided, single submitter. Criteria: ACMG Guidelines, 2015. Collection method: clinical testing. Allele origin: germline.

Labcorp Genetics (formerly Invitae), Labcorp
Classification: Uncertain significance. Last evaluated: 2020-08-26. Review status: criteria provided, single submitter. Criteria: Invitae Variant Classification Sherloc (09022015). Collection method: clinical testing. Allele origin: germline.
Comment: This sequence change replaces lysine with arginine at codon 106 of the COL4A4 protein (p.Lys106Arg). The lysine residue is highly conserved and there is a small physicochemical difference between lysine and arginine. This variant is not present in population databases (ExAC no frequency). This variant has not been reported in the literature in individuals with COL4A4-related conditions. Advanced modeling of protein sequence and biophysical properties (such as structural, functional, and spatial information, amino acid conservation, physicochemical variation, residue mobility, and thermodynamic stability) performed at Invitae indicates that this missense variant is not expected to disrupt COL4A4 protein function. In summary, the available evidence is currently insufficient to determine the role of this variant in disease. Therefore, it has been classified as a Variant of Uncertain Significance.